The following is an entry in ClinVar:

ClinVar aggregate classification (germline): Uncertain significance. Review status: criteria provided, multiple submitters, no conflicts (2 of 4 stars). 3 submissions from 3 submitters: Uncertain significance (2). 1 of the submissions does not count toward it. Last evaluated 2024-12-29.

Conditions:
Hypoplastic pancreas-intestinal atresia-hypoplastic gallbalder syndrome. Also called: DIABETES, NEONATAL, WITH PANCREATIC HYPOPLASIA, INTESTINAL ATRESIA, AND GALLBLADDER APLASIA OR HYPOPLASIA; Mitchell-Riley syndrome. Identifiers: Orphanet 293864, MedGen C2748662, MONDO:0017400, OMIM 615710.
Inborn genetic diseases. Identifiers: MedGen C0950123, MeSH D030342.
RFX6-related disorder. Also called: RFX6-related condition.

Allele frequency attached by ClinVar (database versions not stated): gnomAD 0.00001; 1000 Genomes Project 0.00020; gnomAD exomes 0.00001; TOPMed 0.00002; 1000 Genomes Project 30x 0.00016.
gnomAD v4.1: 8 of 1,614,200 alleles (0.0005%); highest among the groups gnomAD compares: East Asian, 0.013%; no homozygotes.

Submissions (3):

Ambry Genetics
Classification: Uncertain significance for Inborn genetic diseases. Last evaluated: 2024-12-29. Review status: criteria provided, single submitter. Criteria: Ambry Variant Classification Scheme 2023. Collection method: clinical testing. Allele origin: germline.

ARUP Laboratories, Molecular Genetics and Genomics, ARUP Laboratories
Classification: Uncertain significance for Hypoplastic pancreas-intestinal atresia-hypoplastic gallbalder syndrome. Last evaluated: 2023-08-31. Review status: criteria provided, single submitter. Criteria: ARUP Molecular Germline Variant Investigation Process 2024. Collection method: clinical testing. Allele origin: germline.
Comment: The RFX6 c.335A>G; p.Gln112Arg variant (rs201445250), to our knowledge, is not reported in the medical literature or gene specific databases. This variant is only observed on one chromosome in the Genome Aggregation Database (1/251,464 alleles), indicating it is not a common polymorphism. Computational analyses are uncertain whether this variant is neutral or deleterious (REVEL: 0.218). Due to limited information, the clinical significance of the p.Gln112Arg variant is uncertain at this time.

PreventionGenetics, part of Exact Sciences
Classification: Uncertain significance for RFX6-related condition. Last evaluated: 2024-09-16. Review status: no assertion criteria provided. Collection method: clinical testing. Allele origin: germline. Not counted in ClinVar's aggregate classification.
Comment: The RFX6 c.335A>G variant is predicted to result in the amino acid substitution p.Gln112Arg. To our knowledge, this variant has not been reported in the literature. This variant is reported in 0.0054% of alleles in individuals of East Asian descent in gnomAD. At this time, the clinical significance of this variant is uncertain due to the absence of conclusive functional and genetic evidence.

NM_173560.4(RFX6):c.335A>G (p.Gln112Arg)

Gene: RFX6 (regulatory factor X6; plus strand). Cytogenetic location: 6q22.1.
Variant type: single nucleotide variant.
Coding change: c.335A>G on transcript NM_173560.4 (MANE Select); coding-DNA position 335, A replaced by G.
Protein change: p.Gln112Arg; replaces glutamine 112 with arginine.
Molecular consequence: missense variant.
Genome position (GRCh38, 1-based): chr6:116,877,907, A>G. VCF-style: chr6-116877907-A-G. GRCh37 (hg19) VCF-style: chr6-117199070-A-G.
Other names: c.335A>G (NM_173560.3); short protein forms Q112R.
Identifiers: ClinVar variation 2921213 (VCV002921213.3), dbSNP rs201445250, ClinGen allele CA145939045.